The following is an entry in ClinVar:

NM_020754.4(ARHGAP31):c.1926+5_1926+6delinsGA

Gene: ARHGAP31 (Rho GTPase activating protein 31; plus strand). Cytogenetic location: 3q13.33.
Variant type: Indel.
Coding change: c.1926+5_1926+6delinsGA on transcript NM_020754.4 (MANE Select); bases 5 to 6 of the intron after coding-DNA position 1926, AG replaced by GA.
Molecular consequence: intron variant.
Genome position (GRCh38, 1-based): chr3:119,409,781-119,409,782, AG replaced by GA. VCF-style: chr3-119409781-AG-GA. GRCh37 (hg19) VCF-style: chr3-119128628-AG-GA.
Identifiers: ClinVar variation 2899195 (VCV002899195.3), dbSNP rs2472869982, ClinGen allele CA2739278750.

ClinVar aggregate classification (germline): Uncertain significance (1 of 4 stars; one submission).

Submission:

Labcorp Genetics (formerly Invitae), Labcorp
Classification: Uncertain significance. Last evaluated: 2023-03-20. Review status: criteria provided, single submitter. Criteria: Invitae Variant Classification Sherloc (09022015). Collection method: clinical testing. Allele origin: germline.
Comment: This sequence change falls in intron 11 of the ARHGAP31 gene. It does not directly change the encoded amino acid sequence of the ARHGAP31 protein. It affects a nucleotide within the consensus splice site. Information on the frequency of this variant in the gnomAD database is not available, as this variant may be reported differently in the database. This variant has not been reported in the literature in individuals affected with ARHGAP31-related conditions. Variants that disrupt the consensus splice site are a relatively common cause of aberrant splicing (PMID: 17576681, 9536098). Experimental studies and prediction algorithms are not available or were not evaluated, and the effect of this variant on mRNA splicing is currently unknown. In summary, the available evidence is currently insufficient to determine the role of this variant in disease. Therefore, it has been classified as a Variant of Uncertain Significance.

Literature cited by the submitters: PubMed 17576681; PubMed 9536098.